The following is an entry in ClinVar:

ClinVar aggregate classification (germline): Pathogenic (1 of 4 stars; one submission).

Conditions:
Nemaline myopathy 2 (NEM2). Also called: Nemaline myopathy 2, autosomal recessive. Identifiers: MedGen C1850569, MONDO:0009725, OMIM 256030.

Submission:

Labcorp Genetics (formerly Invitae), Labcorp
Classification: Pathogenic for Nemaline myopathy 2. Last evaluated: 2023-07-14. Review status: criteria provided, single submitter. Criteria: Invitae Variant Classification Sherloc (09022015). Collection method: clinical testing. Allele origin: germline.
Comment: For these reasons, this variant has been classified as Pathogenic. This variant has not been reported in the literature in individuals affected with NEB-related conditions. This variant is not present in population databases (gnomAD no frequency). This sequence change creates a premature translational stop signal (p.Asp523Glufs*9) in the NEB gene. It is expected to result in an absent or disrupted protein product. Loss-of-function variants in NEB are known to be pathogenic (PMID: 25205138).

Literature cited by the submitters: PubMed 25205138.

NM_001164508.2(NEB):c.1568dup (p.Asp523fs)

Gene: NEB (nebulin; minus strand). Cytogenetic location: 2q23.3.
Variant type: Duplication.
Coding change: c.1568dup on transcript NM_001164508.2 (MANE Select); coding-DNA position 1568, one base duplicated (A; older notation c.1568dupA).
Protein change: p.Asp523fs; shifts the reading frame from aspartic acid 523.
Molecular consequence: frameshift variant.
Genome position (GRCh38, 1-based): chr2:151,696,638, T duplicated on the plus strand (A on the coding strand, the reverse complement: NEB is on the minus strand). VCF-style (leftmost placement, unchanged base first): chr2-151696637-G-GT. GRCh37 (hg19) VCF-style: chr2-152553151-G-GT.
Other names: c.1568dup, p.Asp523fs (NM_001164507.2, NM_001271208.2, NM_004543.5); short protein forms D523fs.
Identifiers: ClinVar variation 2781106 (VCV002781106.3), dbSNP rs2552269620, ClinGen allele CA2739271266.